The following is an entry in ClinVar:

ClinVar aggregate classification (germline): Uncertain significance (1 of 4 stars; one submission).

Allele frequency attached by ClinVar (database versions not stated): gnomAD exomes 0.00001 and 0.00002; ExAC 0.00002.
gnomAD v4.1: 11 of 1,614,206 alleles (0.00068%); highest among the groups gnomAD compares: South Asian, 0.011%; no homozygotes.

Submission:

Labcorp Genetics (formerly Invitae), Labcorp
Classification: Uncertain significance. Last evaluated: 2023-07-21. Review status: criteria provided, single submitter. Criteria: Invitae Variant Classification Sherloc (09022015). Collection method: clinical testing. Allele origin: germline.
Comment: In summary, the available evidence is currently insufficient to determine the role of this variant in disease. Therefore, it has been classified as a Variant of Uncertain Significance. An algorithm developed to predict the effect of missense changes on protein structure and function (PolyPhen-2) suggests that this variant¬†is likely to be tolerated. ClinVar contains an entry for this variant (Variation ID: 860892). This variant has not been reported in the literature in individuals affected with AHR-related conditions. This variant is present in population databases (rs759278839, gnomAD 0.02%). This sequence change replaces alanine, which is neutral and non-polar, with valine, which is neutral and non-polar, at codon 768 of the AHR protein (p.Ala768Val).

NM_001621.5(AHR):c.2303C>T (p.Ala768Val)

Gene: AHR (aryl hydrocarbon receptor; plus strand). Cytogenetic location: 7p21.1.
Variant type: single nucleotide variant.
Coding change: c.2303C>T on transcript NM_001621.5 (MANE Select); coding-DNA position 2303, C replaced by T.
Protein change: p.Ala768Val; replaces alanine 768 with valine.
Molecular consequence: missense variant.
Genome position (GRCh38, 1-based): chr7:17,340,128, C>T. VCF-style: chr7-17340128-C-T. GRCh37 (hg19) VCF-style: chr7-17379752-C-T.
Other names: short protein forms A768V.
Identifiers: ClinVar variation 860892 (VCV000860892.10), dbSNP rs759278839, ClinGen allele CA4172257.